The following is an entry in ClinVar:

ClinVar aggregate classification (germline): Uncertain significance (1 of 4 stars; one submission).

Conditions:
Succinate-semialdehyde dehydrogenase deficiency (SSADHD). Also called: 4-HYDROXYBUTYRIC ACIDURIA; SSADH DEFICIENCY; GABA METABOLIC DEFECT; Succinic Semialdehyde Dehydrogenase Deficiency. Identifiers: Orphanet 22, MedGen C0268631, MONDO:0010083, OMIM 271980.

Allele frequency attached by ClinVar (database versions not stated): gnomAD exomes below 0.00001.
gnomAD v4.1: 1 of 1,614,190 alleles (0.000062%); highest among the groups gnomAD compares: Admixed American, 0.0017%; no homozygotes.

Submission:

Labcorp Genetics (formerly Invitae), Labcorp
Classification: Uncertain significance for Succinate-semialdehyde dehydrogenase deficiency. Last evaluated: 2022-11-22. Review status: criteria provided, single submitter. Criteria: Invitae Variant Classification Sherloc (09022015). Collection method: clinical testing. Allele origin: germline.
Comment: This sequence change replaces alanine, which is neutral and non-polar, with threonine, which is neutral and polar, at codon 209 of the ALDH5A1 protein (p.Ala209Thr). This variant is not present in population databases (gnomAD no frequency). This variant has not been reported in the literature in individuals affected with ALDH5A1-related conditions. Advanced modeling of protein sequence and biophysical properties (such as structural, functional, and spatial information, amino acid conservation, physicochemical variation, residue mobility, and thermodynamic stability) has been performed at Invitae for this missense variant, however the output from this modeling did not meet the statistical confidence thresholds required to predict the impact of this variant on ALDH5A1 protein function. In summary, the available evidence is currently insufficient to determine the role of this variant in disease. Therefore, it has been classified as a Variant of Uncertain Significance.

NM_001080.3(ALDH5A1):c.625G>A (p.Ala209Thr)

Gene: ALDH5A1 (aldehyde dehydrogenase 5 family member A1; plus strand). Cytogenetic location: 6p22.3.
Variant type: single nucleotide variant.
Coding change: c.625G>A on transcript NM_001080.3 (MANE Select); coding-DNA position 625, G replaced by A.
Protein change: p.Ala209Thr; replaces alanine 209 with threonine.
Molecular consequence: missense variant.
Genome position (GRCh38, 1-based): chr6:24,504,884, G>A. VCF-style: chr6-24504884-G-A. GRCh37 (hg19) VCF-style: chr6-24505112-G-A.
Other names: c.625G>A, p.Ala209Thr (NM_001368954.1, NM_170740.1); short protein forms A209T.
Identifiers: ClinVar variation 1970452 (VCV001970452.5), dbSNP rs2532835604, ClinGen allele CA362970008.